The following is an entry in ClinVar:

NM_199420.4(POLQ):c.2992A>G (p.Lys998Glu)

Gene: POLQ (DNA polymerase theta; minus strand). Cytogenetic location: 3q13.33.
Variant type: single nucleotide variant.
Coding change: c.2992A>G on transcript NM_199420.4 (MANE Select); coding-DNA position 2992, A replaced by G.
Protein change: p.Lys998Glu; replaces lysine 998 with glutamic acid.
Molecular consequence: missense variant.
Genome position (GRCh38, 1-based): chr3:121,489,939, T>C on the plus strand (A>G on the coding strand, the complement: POLQ is on the minus strand). VCF-style: chr3-121489939-T-C. GRCh37 (hg19) VCF-style: chr3-121208786-T-C.
Other names: short protein forms K998E.
Identifiers: ClinVar variation 3422488 (VCV003422488.1).

ClinVar aggregate classification (germline): Uncertain significance (1 of 4 stars; one submission).

gnomAD v4.1: 1 of 1,579,082 alleles (0.000063%); highest among the groups gnomAD compares: Non-Finnish European, 0.000085%; no homozygotes.

Submission:

Ambry Genetics
Classification: Uncertain significance. Last evaluated: 2024-08-10. Review status: criteria provided, single submitter. Criteria: Ambry Variant Classification Scheme 2023. Collection method: clinical testing. Allele origin: germline.
Comment: The p.K998E variant (also known as c.2992A>G), located in coding exon 16 of the POLQ gene, results from an A to G substitution at nucleotide position 2992. The lysine at codon 998 is replaced by glutamic acid, an amino acid with similar properties. This amino acid position is conserved. In addition, this alteration is predicted to be tolerated by in silico analysis. Based on the available evidence, the clinical significance of this variant remains unclear.